The following is an entry in ClinVar:

ClinVar aggregate classification (germline): Uncertain significance (1 of 4 stars; one submission).

Allele frequency attached by ClinVar (database versions not stated): TOPMed below 0.00001; gnomAD 0.00001; 1000 Genomes Project 30x 0.00016; 1000 Genomes Project 0.00020.
gnomAD v4.1: 1 of 1,587,584 alleles (0.000063%); highest among the groups gnomAD compares: South Asian, 0.0011%; no homozygotes.

Submission:

Greenwood Genetic Center Diagnostic Laboratories, Greenwood Genetic Center
Classification: Uncertain significance. Last evaluated: 2020-12-30. Review status: criteria provided, single submitter. Criteria: ACMG Guidelines, 2015. Collection method: clinical testing. Allele origin: germline. Affected: yes.
Comment: BP4, PM2

NM_032776.3(JMJD1C):c.411T>G (p.Asp137Glu)

Gene: JMJD1C (jumonji domain containing 1C; minus strand). Cytogenetic location: 10q21.3.
Variant type: single nucleotide variant.
Coding change: c.411T>G on transcript NM_032776.3 (MANE Select); coding-DNA position 411, T replaced by G.
Protein change: p.Asp137Glu; replaces aspartic acid 137 with glutamic acid.
Molecular consequence: missense variant. On other transcripts: 5 prime UTR variant (5), intron variant (1).
Genome position (GRCh38, 1-based): chr10:63,264,687, A>C on the plus strand (T>G on the coding strand, the complement: JMJD1C is on the minus strand). VCF-style: chr10-63264687-A-C. GRCh37 (hg19) VCF-style: chr10-65024447-A-C.
Other names: c.-136T>G (NM_001282948.2, NM_001318154.2); c.-458T>G (NM_001318153.2); c.-141T>G (NM_001322254.2, NM_001322258.2); c.334-44704T>G (NM_001322252.2); short protein forms D137E.
Identifiers: ClinVar variation 1331565 (VCV001331565.4), dbSNP rs561459877, ClinGen allele CA208377117.